The following is an entry in ClinVar:

NM_018896.5(CACNA1G):c.5471C>T (p.Thr1824Met)

Gene: CACNA1G (calcium voltage-gated channel subunit alpha1 G; plus strand). Cytogenetic location: 17q21.33.
Variant type: single nucleotide variant.
Coding change: c.5471C>T on transcript NM_018896.5 (MANE Select); coding-DNA position 5471, C replaced by T.
Protein change: p.Thr1824Met; replaces threonine 1824 with methionine.
Molecular consequence: missense variant. On other transcripts: non-coding transcript variant (5).
Genome position (GRCh38, 1-based): chr17:50,618,698, C>T. VCF-style: chr17-50618698-C-T. GRCh37 (hg19) VCF-style: chr17-48696059-C-T.
Other names: c.5438C>T, p.Thr1813Met (NM_001256334.2, NM_198377.3, NM_198378.3 and 1 more transcripts); c.5390C>T, p.Thr1797Met (NM_001256359.2); c.5363C>T, p.Thr1788Met (NM_001256360.2); c.5357C>T, p.Thr1786Met (NM_001256361.2); c.5369C>T, p.Thr1790Met (NM_198376.3, NM_198379.3, NM_001256329.2 and 2 more transcripts); c.5417C>T, p.Thr1806Met (NM_001256324.2, NM_198386.3); c.5492C>T, p.Thr1831Met (NM_001256325.2); c.5336C>T, p.Thr1779Met (NM_001256326.2, NM_001256330.2); and 7 more; short protein forms T1767M, T1772M, T1779M, T1783M, T1786M, T1788M, T1790M, T1797M.
Identifiers: ClinVar variation 3026065 (VCV003026065.22), dbSNP rs750060925, ClinGen allele CA8653402.
Genomic context (GRCh38, chr17:50,618,698, plus strand): 5'-TATTCCACCCTCCCCAGGACACCCTCCGGGACTGTGACCAGGAGTCCACCTGCTACAACA[C>T]GGTCATCTCGCCTATCTACTTTGTGTCCTTCGTGCTGACGGCCCAGTTCGTGCTAGTCAA-3'
Protein context (NP_061496.2, residues 1814-1834): DCDQESTCYN[Thr1824Met]VISPIYFVSF

ClinVar aggregate classification (germline): Uncertain significance (1 of 4 stars; one submission).

Allele frequency attached by ClinVar (database versions not stated): TOPMed below 0.00001; ExAC 0.00001; gnomAD 0.00001; gnomAD exomes 0.00001; 1000 Genomes Project 30x 0.00016.
gnomAD v4.1: 11 of 1,613,974 alleles (0.00068%); highest among the groups gnomAD compares: South Asian, 0.0022%; no homozygotes.

Submission:

CeGaT Center for Human Genetics Tuebingen
Classification: Uncertain significance. Last evaluated: 2024-02-01. Review status: criteria provided, single submitter. Criteria: CeGaT Center For Human Genetics Tuebingen Variant Classification Criteria Version 2. Collection method: clinical testing. Allele origin: germline. Affected: yes. Observed: 1 variant allele.
Comment: CACNA1G: PP2